The following is an entry in ClinVar:

ClinVar aggregate classification (germline): Likely benign. Review status: criteria provided, single submitter (1 of 4 stars). 2 submissions from 2 submitters: Likely benign (1). 1 of the submissions does not count toward it. Last evaluated 2025-07-20.

Conditions:
DSCAML1-related disorder. Also called: DSCAML1-related condition.

Allele frequency attached by ClinVar (database versions not stated): 1000 Genomes Project 0.00020; gnomAD exomes 0.00037 and 0.00015; gnomAD 0.00063; TOPMed 0.00077; 1000 Genomes Project 30x 0.00016; ExAC 0.00017.

Submissions (2):

Labcorp Genetics (formerly Invitae), Labcorp
Classification: Likely benign. Last evaluated: 2025-07-20. Review status: criteria provided, single submitter. Criteria: Invitae Variant Classification Sherloc (09022015). Collection method: clinical testing. Allele origin: germline.

PreventionGenetics, part of Exact Sciences
Classification: Likely benign for DSCAML1-related condition. Last evaluated: 2022-12-01. Review status: no assertion criteria provided. Collection method: clinical testing. Allele origin: germline. Not counted in ClinVar's aggregate classification.
Comment: This variant is classified as likely benign based on ACMG/AMP sequence variant interpretation guidelines (Richards et al. 2015 PMID: 25741868, with internal and published modifications).

NM_020693.4(DSCAML1):c.409A>G (p.Met137Val)

Gene: DSCAML1 (DS cell adhesion molecule like 1; minus strand). Cytogenetic location: 11q23.3.
Variant type: single nucleotide variant.
Coding change: c.409A>G on transcript NM_020693.4 (MANE Select); coding-DNA position 409, A replaced by G.
Protein change: p.Met137Val; replaces methionine 137 with valine.
Molecular consequence: missense variant. On other transcripts: initiator codon variant (1).
Genome position (GRCh38, 1-based): chr11:117,776,893, T>C on the plus strand (A>G on the coding strand, the complement: DSCAML1 is on the minus strand). VCF-style: chr11-117776893-T-C. GRCh37 (hg19) VCF-style: chr11-117647608-T-C.
Other names: c.409A>G, p.Met137Val (NM_001367904.1); c.1A>G, p.Met1Val (NM_001367905.1); c.589A>G (NM_020693.3); short protein forms M137V, M1V.
Identifiers: ClinVar variation 1667925 (VCV001667925.11), dbSNP rs562436797, ClinGen allele CA6297573.
Genomic context (GRCh38, chr11:117,776,893, plus strand): 5'-TAACATATTCCTGCACTGAAGAGGGGATGAGGCACTTGAAGACGGCCACGTTGCCACGCA[T>C]TGACCTTTGATCCTCCACCCGGACGGTGTAGGGTTCCCTGAAAACTGCAGAGAGATTGGC-3'
Protein context (NP_065744.3, residues 127-147): YTVRVEDQRS[Met137Val]RGNVAVFKCL